The following is an entry in ClinVar:

NC_000009.11:g.(?_94485944)_(94712245_?)dup

Gene: ROR2 (receptor tyrosine kinase like orphan receptor 2; minus strand). Cytogenetic location: 9q22.31.
Variant type: Duplication.
Identifiers: ClinVar variation 3245325 (VCV003245325.1).

ClinVar aggregate classification (germline): Uncertain significance (1 of 4 stars; one submission).

Submission:

Labcorp Genetics (formerly Invitae), Labcorp
Classification: Uncertain significance. Last evaluated: 2023-04-29. Review status: criteria provided, single submitter. Criteria: Invitae Variant Classification Sherloc (09022015). Collection method: clinical testing. Allele origin: unknown.
Comment: In summary, the available evidence is currently insufficient to determine the role of this variant in disease. Therefore, it has been classified as a Variant of Uncertain Significance. This variant has not been reported in the literature in individuals affected with ROR2-related conditions. A copy number gain of the genomic region encompassing the full coding sequence of the ROR2 gene has been identified. The boundaries of this event are unknown as they extend beyond the assayed region for this gene and therefore may encompass additional genes. As the precise location of this event is unknown, it may be in tandem or it may be located elsewhere in the genome.